The following is an entry in ClinVar:

NM_198576.4(AGRN):c.2089G>A (p.Asp697Asn)

Gene: AGRN (agrin; plus strand). Cytogenetic location: 1p36.33.
Variant type: single nucleotide variant.
Coding change: c.2089G>A on transcript NM_198576.4 (MANE Select); coding-DNA position 2089, G replaced by A.
Protein change: p.Asp697Asn; replaces aspartic acid 697 with asparagine.
Molecular consequence: missense variant.
Genome position (GRCh38, 1-based): chr1:1,044,198, G>A. VCF-style: chr1-1044198-G-A. GRCh37 (hg19) VCF-style: chr1-979578-G-A.
Other names: p.Asp697Asn; c.2089G>A, p.Asp697Asn (NM_001305275.2); c.1774G>A, p.Asp592Asn (NM_001364727.2); c.2089G>A (NM_198576.3); short protein forms D592N, D697N.
Identifiers: ClinVar variation 1409104 (VCV001409104.9), dbSNP rs148201851, ClinGen allele CA508461.

ClinVar aggregate classification (germline): Uncertain significance. Review status: criteria provided, multiple submitters, no conflicts (2 of 4 stars). 3 submissions from 3 submitters: Uncertain significance (3). Last evaluated 2024-07-30.

Conditions:
Inborn genetic diseases. Identifiers: MedGen C0950123, MeSH D030342.
Congenital myasthenic syndrome 8. Also called: MYASTHENIC SYNDROME, CONGENITAL, DUE TO AGRIN DEFICIENCY; Myasthenic syndrome, congenital, 8, with pre- and postsynaptic defects. Identifiers: Orphanet 590, MedGen C3808739, MONDO:0014052, OMIM 615120.

Allele frequency attached by ClinVar (database versions not stated): gnomAD exomes below 0.00001 and 0.00001; ExAC 0.00001; gnomAD 0.00001; TOPMed 0.00003; ESP Exome Variant Server 0.00008.
gnomAD v4.1: 21 of 1,613,158 alleles (0.0013%); highest among the groups gnomAD compares: Admixed American, 0.0017%; no homozygotes.

Submissions (3):

Ambry Genetics
Classification: Uncertain significance for Inborn genetic diseases. Last evaluated: 2024-07-30. Review status: criteria provided, single submitter. Criteria: Ambry Variant Classification Scheme 2023. Collection method: clinical testing. Allele origin: germline.

Mayo Clinic Laboratories, Mayo Clinic
Classification: Uncertain significance. Last evaluated: 2024-02-14. Review status: criteria provided, single submitter. Criteria: ACMG Guidelines, 2015. Collection method: clinical testing. Allele origin: germline. Observed: 1 variant allele.
Comment: PM2

Labcorp Genetics (formerly Invitae), Labcorp
Classification: Uncertain significance for Congenital myasthenic syndrome 8. Last evaluated: 2022-11-08. Review status: criteria provided, single submitter. Criteria: Invitae Variant Classification Sherloc (09022015). Collection method: clinical testing. Allele origin: germline.
Comment: This variant has not been reported in the literature in individuals affected with AGRN-related conditions. ClinVar contains an entry for this variant (Variation ID: 1409104). Algorithms developed to predict the effect of missense changes on protein structure and function are either unavailable or do not agree on the potential impact of this missense change (SIFT: "Deleterious"; PolyPhen-2: "Possibly Damaging"; Align-GVGD: "Class C0"). In summary, the available evidence is currently insufficient to determine the role of this variant in disease. Therefore, it has been classified as a Variant of Uncertain Significance. The frequency data for this variant in the population databases is considered unreliable, as metrics indicate poor data quality at this position in the gnomAD database. This sequence change replaces aspartic acid, which is acidic and polar, with asparagine, which is neutral and polar, at codon 697 of the AGRN protein (p.Asp697Asn).